The following is an entry in ClinVar:

NM_000018.3(ACADVL):c.1375dup

Gene: ACADVL (acyl-CoA dehydrogenase very long chain; plus strand). Cytogenetic location: 17p13.1.
Variant type: Duplication.
Coding change: c.1375dup on transcript NM_000018.3; coding-DNA position 1375, one base duplicated (C; older notation c.1375dupC).
Molecular consequence: frameshift variant (on NM_000018.4).
Genome position (GRCh38, 1-based): chr17:7,224,010, C duplicated; the last of 2 consecutive C bases (chr17:7,224,009-7,224,010); duplicating either gives the same sequence. VCF-style (leftmost placement, unchanged base first): chr17-7224008-T-TC. GRCh37 (hg19) VCF-style: chr17-7127327-T-TC.
Other names: c.1375dupC (NM_000018.2, NM_000018.3, NM_000018.4); c.1375dup, p.Arg459fs (NM_000018.4); c.1309dup, p.Arg437fs (NM_001033859.3); c.1444dup, p.Arg482fs (NM_001270447.2); c.1147dup, p.Arg383fs (NM_001270448.2); short protein forms R459fs, R482fs, R383fs, R437fs.
Identifiers: ClinVar variation 203592 (VCV000203592.27), dbSNP rs796051916, ClinGen allele CA312288.

ClinVar aggregate classification (germline): Likely pathogenic. Review status: reviewed by expert panel (3 of 4 stars). 9 submissions from 9 submitters: Likely pathogenic (1). 8 of the submissions do not count toward it. Last evaluated 2022-12-14.

Conditions:
Very long chain acyl-CoA dehydrogenase deficiency (ACADVLD). Also called: Very Long-Chain Acyl-Coenzyme A Dehydrogenase Deficiency; VLCAD Deficiency. Identifiers: Orphanet 26793, MedGen C3887523, MONDO:0008723, OMIM 201475.

Submissions (9):

ClinGen ACADVL Variant Curation Expert Panel, ClinGen
Classification: Likely pathogenic for Very long chain acyl-CoA dehydrogenase deficiency. Last evaluated: 2022-12-14. Review status: reviewed by expert panel. Criteria: clingen acadvl acmg specifications v1. Collection method: curation. Allele origin: germline. Inheritance: Autosomal recessive inheritance.
Comment: The c.1375dup (p.Arg459ProfsTer4) variant in ACADVL is a frameshift variant predicted to cause a premature stop codon in biologically-relevant-exon14/20 leading to nonsense mediated decay in a gene in which loss-of-function is an established disease mechanism (PVS1; PMIDs 9973285, 11590124). At least one individual with this variant was identified by newborn screen, but this information is insufficient for to use toward classification (PMID: 26385305). The highest population minor allele frequency in gnomAD v2.1.1 is 0.000008794 in the European (non-Finnish) population, which is lower than the ClinGen ACADVL Variant Curation Expert Panel threshold (<0.001) for PM2_Supporting, meeting this criterion (PM2_Supporting). In summary, this variant meets the criteria to be classified as likely pathogenic for autosomal recessive VLCAD deficiency based on the ACMG/AMP criteria applied, as specified by the ClinGen ACADVL Variant Curation Expert Panel: PVS1, PM2_Supporting (VCEP specifications version1; approved November 8, 2021)

Labcorp Genetics (formerly Invitae), Labcorp
Classification: Pathogenic for Very long chain acyl-CoA dehydrogenase deficiency. Last evaluated: 2025-11-24. Review status: criteria provided, single submitter. Criteria: Invitae Variant Classification Sherloc (09022015). Collection method: clinical testing. Allele origin: germline. Not counted in ClinVar's aggregate classification.
Comment: This sequence change creates a premature translational stop signal (p.Arg459Profs*4) in the ACADVL gene. It is expected to result in an absent or disrupted protein product. Loss-of-function variants in ACADVL are known to be pathogenic (PMID: 9973285, 11590124). This variant is present in population databases (rs769622723, gnomAD 0.0009%). This premature translational stop signal has been observed in individual(s) with very long chain acyl-coA dehydrogenase deficiency after positive new born screening (PMID: 26385305). This variant is also known as c.1375_1376insC. ClinVar contains an entry for this variant (Variation ID: 203592). For these reasons, this variant has been classified as Pathogenic.

Natera, Inc.
Classification: Pathogenic for Very long chain acyl-CoA dehydrogenase deficiency. Last evaluated: 2025-07-10. Review status: criteria provided, single submitter. Criteria: Natera Variant Classification Schema (03/2026). Collection method: clinical testing. Allele origin: germline. Not counted in ClinVar's aggregate classification.
Comment: The c.1375dupC variant in ACADVL is a frameshift variant predicted to shift the reading frame beginning at codon 459 and leads to a stop codon 4 codons downstream. This variant is expected to result in nonsense mediated decay, truncation, or a dysfunctional protein product. This variant is rare in the general population with a frequency below the threshold expected for the associated phenotype(s). This variant has been observed in one or more individuals affected with the associated recessive disease, as either homozygous or compound heterozygous with a second variant (PMID: 36109795). Given the available evidence, this variant is classified as Pathogenic.

Women's Health and Genetics/Laboratory Corporation of America, LabCorp
Classification: Pathogenic for Very long chain acyl-CoA dehydrogenase deficiency. Last evaluated: 2024-11-21. Review status: criteria provided, single submitter. Criteria: LabCorp Variant Classification Summary - May 2015. Collection method: clinical testing. Allele origin: germline. Not counted in ClinVar's aggregate classification.
Comment: Variant summary: ACADVL c.1375dupC (p.Arg459ProfsX4) results in a premature termination codon, predicted to cause absence of the protein due to nonsense mediated decay, which is a commonly known mechanism for disease. The variant allele was found at a frequency of 4e-06 in 251416 control chromosomes (gnomAD). c.1375dupC has been reported in the literature in individuals affected with Very Long Chain Acyl-CoA Dehydrogenase Deficiency (e.g. Ambrose_2022). The following publication has been ascertained in the context of this evaluation (PMID: 36109795). ClinVar contains an entry for this variant (Variation ID: 203592). Based on the evidence outlined above, the variant was classified as pathogenic.

Baylor Genetics
Classification: Pathogenic for Very long chain acyl-CoA dehydrogenase deficiency. Last evaluated: 2023-10-25. Review status: criteria provided, single submitter. Criteria: ACMG Guidelines, 2015. Collection method: clinical testing. Allele origin: unknown. Not counted in ClinVar's aggregate classification.

GeneDx
Classification: Pathogenic. Last evaluated: 2021-11-01. Review status: criteria provided, single submitter. Criteria: GeneDx Variant Classification Process June 2021. Collection method: clinical testing. Allele origin: germline. Affected: yes. Not counted in ClinVar's aggregate classification.
Comment: Frameshift variant predicted to result in protein truncation or nonsense mediated decay in a gene for which loss-of-function is a known mechanism of disease; Not observed at significant frequency in large population cohorts (Lek et al., 2016); This variant is associated with the following publications: (PMID: 23418865, 26385305)

Revvity Omics, Revvity
Classification: Pathogenic for Very long chain acyl-CoA dehydrogenase deficiency. Last evaluated: 2021-09-16. Review status: criteria provided, single submitter. Criteria: ACMG Guidelines, 2015. Collection method: clinical testing. Allele origin: germline. Not counted in ClinVar's aggregate classification.

Wong Mito Lab, Molecular and Human Genetics, Baylor College of Medicine
Classification: Pathogenic for Very long chain acyl-CoA dehydrogenase deficiency. Last evaluated: 2019-11-01. Review status: criteria provided, single submitter. Criteria: ACMG Guidelines, 2015. Collection method: clinical testing. Allele origin: germline. Not counted in ClinVar's aggregate classification.
Comment: The NM_000018.3:c.1375dupC (NP_000009.1:p.Arg459ProfsTer4) [GRCH38: NC_000017.11:g.7224010dupC] variant in ACADVL gene is interpretated to be Pathogenic based on ACMG guidelines (PMID: 25741868). This variant has been reported in PMID: 26385305. This variant meets the following evidence codes reported in the ACMG guidelines: PVS1, PS3

Eurofins Ntd Llc (ga)
Classification: Pathogenic. Last evaluated: 2017-03-02. Review status: criteria provided, single submitter. Criteria: EGL Classification Definitions 2015. Collection method: clinical testing. Allele origin: germline. Observed: 2 variant alleles, 2 heterozygotes. Not counted in ClinVar's aggregate classification.

Literature cited by the submitters: PubMed 9973285 (cited by Labcorp Genetics (formerly Invitae), Labcorp); PubMed 11590124 (cited by Labcorp Genetics (formerly Invitae), Labcorp); PubMed 26385305 (cited by Labcorp Genetics (formerly Invitae), Labcorp and Wong Mito Lab, Molecular and Human Genetics, Baylor College of Medicine); PubMed 36109795 (cited by Natera, Inc. and Women's Health and Genetics/Laboratory Corporation of America, LabCorp).